The following is an entry in ClinVar:

NM_000179.3(MSH6):c.1528A>G (p.Arg510Gly)

Gene: MSH6 (mutS homolog 6; plus strand). Cytogenetic location: 2p16.3.
Variant type: single nucleotide variant.
Coding change: c.1528A>G on transcript NM_000179.3 (MANE Select); coding-DNA position 1528, A replaced by G.
Protein change: p.Arg510Gly; replaces arginine 510 with glycine.
Molecular consequence: missense variant.
Genome position (GRCh38, 1-based): chr2:47,799,511, A>G. VCF-style: chr2-47799511-A-G. GRCh37 (hg19) VCF-style: chr2-48026650-A-G.
Other names: c.1138A>G, p.Arg380Gly (NM_001281492.2); c.622A>G, p.Arg208Gly (NM_001281493.2, NM_001281494.2); short protein forms R510G, R208G, R380G.
Identifiers: ClinVar variation 187118 (VCV000187118.21), dbSNP rs786203486, ClinGen allele CA008756.

ClinVar aggregate classification (germline): Uncertain significance. Review status: criteria provided, multiple submitters, no conflicts (2 of 4 stars). 4 submissions from 4 submitters: Uncertain significance (4). Last evaluated 2025-06-12.

Conditions:
Hereditary nonpolyposis colorectal neoplasms. Identifiers: MedGen C0009405, MeSH D003123.
Lynch syndrome. Identifiers: Orphanet 144, MedGen C4552100, MONDO:0005835. Disease mechanism: loss of function.
Hereditary cancer-predisposing syndrome. Also called: Neoplastic Syndromes, Hereditary; Tumor predisposition; Hereditary Cancer Syndrome; Hereditary neoplastic syndrome. Identifiers: Orphanet 140162, MedGen C0027672, MeSH D009386, MONDO:0015356.

Submissions (4):

Labcorp Genetics (formerly Invitae), Labcorp
Classification: Uncertain significance for Hereditary nonpolyposis colorectal neoplasms. Last evaluated: 2025-06-12. Review status: criteria provided, single submitter. Criteria: Invitae Variant Classification Sherloc (09022015). Collection method: clinical testing. Allele origin: germline.
Comment: This sequence change replaces arginine, which is basic and polar, with glycine, which is neutral and non-polar, at codon 510 of the MSH6 protein (p.Arg510Gly). This variant is not present in population databases (gnomAD no frequency). This variant has not been reported in the literature in individuals affected with MSH6-related conditions. ClinVar contains an entry for this variant (Variation ID: 187118). Invitae Evidence Modeling of protein sequence and biophysical properties (such as structural, functional, and spatial information, amino acid conservation, physicochemical variation, residue mobility, and thermodynamic stability) has been performed for this missense variant. However, the output from this modeling did not meet the statistical confidence thresholds required to predict the impact of this variant on MSH6 protein function. In summary, the available evidence is currently insufficient to determine the role of this variant in disease. Therefore, it has been classified as a Variant of Uncertain Significance.

All of Us Research Program, National Institutes of Health
Classification: Uncertain significance for Lynch syndrome. Last evaluated: 2024-04-16. Review status: criteria provided, single submitter. Criteria: ACMG Guidelines, 2015. Collection method: clinical testing. Allele origin: germline. Inheritance: Autosomal dominant inheritance. Observed: 2 variant alleles, 2 heterozygotes.
Comment: This missense variant replaces arginine with glycine at codon 510 of the MSH6 protein. Computational prediction suggests that this variant may have deleterious impact on protein structure and function (internally defined REVEL score threshold >= 0.7, PMID: 27666373). To our knowledge, functional studies have not been reported for this variant. This variant has not been reported in individuals affected with MSH6-related disorders in the literature. This variant has not been identified in the general population by the Genome Aggregation Database (gnomAD). The available evidence is insufficient to determine the role of this variant in disease conclusively. Therefore, this variant is classified as a Variant of Uncertain Significance.

This study involves interpretation of variants in research participants for the purpose of population health screening. Participant phenotype was not available at the time of variant classification. Additional details can be found in publication PMID: 35346344, PMCID: PMC8962531

Color Diagnostics, LLC DBA Color Health
Classification: Uncertain significance for Hereditary cancer-predisposing syndrome. Last evaluated: 2023-06-15. Review status: criteria provided, single submitter. Criteria: ACMG Guidelines, 2015. Collection method: clinical testing. Allele origin: germline.
Comment: This missense variant replaces arginine with glycine at codon 510 of the MSH6 protein. Computational prediction suggests that this variant may have deleterious impact on protein structure and function (internally defined REVEL score threshold >= 0.7, PMID: 27666373). To our knowledge, functional studies have not been reported for this variant. This variant has not been reported in individuals affected with MSH6-related disorders in the literature. This variant has not been identified in the general population by the Genome Aggregation Database (gnomAD). The available evidence is insufficient to determine the role of this variant in disease conclusively. Therefore, this variant is classified as a Variant of Uncertain Significance.

Ambry Genetics
Classification: Uncertain significance for Hereditary cancer-predisposing syndrome. Last evaluated: 2022-10-25. Review status: criteria provided, single submitter. Criteria: Ambry Variant Classification Scheme 2023. Collection method: clinical testing. Allele origin: germline.
Comment: The p.R510G variant (also known as c.1528A>G), located in coding exon 4 of the MSH6 gene, results from an A to G substitution at nucleotide position 1528. The arginine at codon 510 is replaced by glycine, an amino acid with dissimilar properties. This amino acid position is well conserved in available vertebrate species. In addition, this alteration is predicted to be deleterious by in silico analysis. Since supporting evidence is limited at this time, the clinical significance of this alteration remains unclear.